The following is an entry in ClinVar:

NM_015459.5(ATL3):c.-294G>A

Gene: ATL3 (atlastin GTPase 3; minus strand). Cytogenetic location: 11q13.1.
Variant type: single nucleotide variant.
Coding change: c.-294G>A on transcript NM_015459.5 (MANE Select); 294 bases upstream of the start codon, G replaced by A.
Molecular consequence: genic upstream transcript variant. On other transcripts: intron variant (2).
Genome position (GRCh38, 1-based): chr11:63,671,629, C>T on the plus strand (G>A on the coding strand, the complement: ATL3 is on the minus strand). VCF-style: chr11-63671629-C-T. GRCh37 (hg19) VCF-style: chr11-63439101-C-T.
Other names: c.-9+7G>A (NM_001440720.1, NM_001290048.2).
Identifiers: ClinVar variation 4887258 (VCV004887258.1).

ClinVar aggregate classification (germline): Benign (1 of 4 stars; one submission).

gnomAD v4.1: 360 of 1,420,078 alleles (0.025%); highest among the groups gnomAD compares: Middle Eastern, 0.038%; no homozygotes.

Submission:

Women's Health and Genetics/Laboratory Corporation of America, LabCorp
Classification: Benign. Last evaluated: 2026-06-15. Review status: criteria provided, single submitter. Criteria: LabCorp Variant Classification Summary - May 2015. Collection method: clinical testing. Allele origin: germline.
Comment: Variant summary: ATL3 c.-294G>A is located in the untranscribed region upstream of the ATL3 gene region. Consensus agreement among computation tools predict no significant impact on normal splicing. However, these predictions have yet to be confirmed by functional studies. The variant allele was found at a frequency of 0.00027 in 95012 control chromosomes. The observed variant frequency exceeds the estimated maximal expected allele frequency for disease-causing variants in ATL3. To our knowledge, no occurrence of c.-294G>A in individuals affected with ATL3-related conditions and no experimental evidence demonstrating its impact on protein function have been reported. No submitters have cited clinical-significance assessments for this variant to ClinVar. Based on the evidence outlined above, the variant was classified as benign.